The following is an entry in ClinVar:

ClinVar aggregate classification (germline): Uncertain significance (0 of 4 stars; one submission).

Conditions:
WDPCP-related disorder. Also called: WDPCP-related condition.

Allele frequency attached by ClinVar (database versions not stated): ExAC 0.00003; gnomAD 0.00005; gnomAD exomes 0.00005; ESP Exome Variant Server 0.00009; TOPMed 0.00009.
gnomAD v4.1: 77 of 1,596,744 alleles (0.0048%); highest among the groups gnomAD compares: African/African-American, 0.012%; 1 homozygote.

Submission:

PreventionGenetics, part of Exact Sciences
Classification: Uncertain significance for WDPCP-related condition. Last evaluated: 2024-07-18. Review status: no assertion criteria provided. Collection method: clinical testing. Allele origin: germline.
Comment: The WDPCP c.22+5G>A variant is predicted to interfere with splicing. This variant is predicted to interfere with splicing at the consensus splice site based on splicing prediction programs (SpliceAI, Jaganathan et al. 2019. PubMed ID: 30661751). In an alternate transcript (NM_015910.5), this variant is found in a deep intronic region (c.500-303G>A). To our knowledge, this variant has not been reported in the literature. This variant is reported in 0.0064% of alleles in individuals of European (Non-Finnish) descent in gnomAD. At this time, the clinical significance of this variant is uncertain due to the absence of conclusive functional and genetic evidence.

NM_015910.7(WDPCP):c.500-303G>A

Gene: WDPCP (WD repeat containing planar cell polarity effector; minus strand). Cytogenetic location: 2p15.
Variant type: single nucleotide variant.
Coding change: c.500-303G>A on transcript NM_015910.7 (MANE Select); 303 bases into the intron before coding-DNA position 500, G replaced by A.
Molecular consequence: intron variant.
Genome position (GRCh38, 1-based): chr2:63,437,857, C>T on the plus strand (G>A on the coding strand, the complement: WDPCP is on the minus strand). VCF-style: chr2-63437857-C-T. GRCh37 (hg19) VCF-style: chr2-63664991-C-T.
Other names: c.428-303G>A (NM_001354044.2); c.22+5G>A (NM_001042692.3); c.500-303G>A (NM_001354045.2).
Identifiers: ClinVar variation 2634039 (VCV002634039.3), dbSNP rs370547796, ClinGen allele CA1682433.